The following is an entry in ClinVar:

NM_000466.3(PEX1):c.3158dup (p.Asn1053fs)

Genes: GATAD1 (GATA zinc finger domain containing 1; plus strand), PEX1 (peroxisomal biogenesis factor 1; minus strand). Cytogenetic location: 7q21.2.
Variant type: Duplication.
Coding change: c.3158dup on transcript NM_000466.3 (MANE Select); coding-DNA position 3158, one base duplicated (A; older notation c.3158dupA).
Protein change: p.Asn1053fs; shifts the reading frame from asparagine 1053.
Molecular consequence: frameshift variant.
Genome position (GRCh38, 1-based): chr7:92,493,002, T duplicated on the plus strand (A on the coding strand, the reverse complement: PEX1 is on the minus strand); the first of 2 consecutive T bases (chr7:92,493,002-92,493,003); duplicating either gives the same sequence. VCF-style (leftmost placement, unchanged base first): chr7-92493001-A-AT. GRCh37 (hg19) VCF-style: chr7-92122315-A-AT.
Other names: c.2987dup, p.Asn996fs (NM_001282677.2); c.2534dup, p.Asn845fs (NM_001282678.2); short protein forms N1053fs, N845fs, N996fs.
Identifiers: ClinVar variation 1069980 (VCV001069980.7), dbSNP rs2116077400, ClinGen allele CA2499219045.

ClinVar aggregate classification (germline): Pathogenic (1 of 4 stars; one submission).

Conditions:
Zellweger spectrum disorders (ZS). Also called: Zellweger Spectrum Disorder (ZSD); Zellweger syndrome; Zellweger Spectrum Disorder; Zellweger Spectrum. Identifiers: Orphanet 912, MedGen C0043459, MONDO:0019609.

Submission:

Labcorp Genetics (formerly Invitae), Labcorp
Classification: Pathogenic for Zellweger spectrum disorders. Last evaluated: 2025-08-03. Review status: criteria provided, single submitter. Criteria: Invitae Variant Classification Sherloc (09022015). Collection method: clinical testing. Allele origin: germline.
Comment: This sequence change creates a premature translational stop signal (p.Asn1053Lysfs*24) in the PEX1 gene. It is expected to result in an absent or disrupted protein product. Loss-of-function variants in PEX1 are known to be pathogenic (PMID: 21031596, 26387595, 31831025). This variant is not present in population databases (gnomAD no frequency). This variant has not been reported in the literature in individuals affected with PEX1-related conditions. ClinVar contains an entry for this variant (Variation ID: 1069980). For these reasons, this variant has been classified as Pathogenic.

Literature cited by the submitters: PubMed 21031596; PubMed 26387595; PubMed 31831025.